The following is an entry in ClinVar:

NM_000240.4(MAOA):c.1385G>A (p.Gly462Asp)

Gene: MAOA (monoamine oxidase A; plus strand). Cytogenetic location: Xp11.3.
Variant type: single nucleotide variant.
Coding change: c.1385G>A on transcript NM_000240.4 (MANE Select); coding-DNA position 1385, G replaced by A.
Protein change: p.Gly462Asp; replaces glycine 462 with aspartic acid.
Molecular consequence: missense variant.
Genome position (GRCh38, 1-based): chrX:43,744,119, G>A. VCF-style: chrX-43744119-G-A. GRCh37 (hg19) VCF-style: chrX-43603366-G-A.
Other names: c.986G>A, p.Gly329Asp (NM_001270458.2); short protein forms G462D, G329D.
Identifiers: ClinVar variation 589672 (VCV000589672.5), dbSNP rs745388539, ClinGen allele CA10390969.

ClinVar aggregate classification (germline): Uncertain significance (1 of 4 stars; one submission).

Conditions:
Inborn genetic diseases. Identifiers: MedGen C0950123, MeSH D030342.

Allele frequency attached by ClinVar (database versions not stated): gnomAD exomes below 0.00001 and 0.00001; ExAC 0.00001.
gnomAD v4.1: 2 of 1,209,195 alleles (0.00017%); highest among the groups gnomAD compares: South Asian, 0.0035%; no homozygotes.

Submission:

Ambry Genetics
Classification: Uncertain significance for Inborn genetic diseases. Last evaluated: 2017-06-09. Review status: criteria provided, single submitter. Criteria: Ambry Variant Classification Scheme 2023. Collection method: clinical testing. Allele origin: germline.
Comment: The p.G462D variant (also known as c.1385G>A), located in coding exon 14 of the MAOA gene, results from a G to A substitution at nucleotide position 1385. The glycine at codon 462 is replaced by aspartic acid, an amino acid with similar properties. This amino acid position is poorly conserved in available vertebrate species. In addition, this alteration is predicted to be tolerated by in silico analysis. Since supporting evidence is limited at this time, the clinical significance of this alteration remains unclear.